The following is an entry in ClinVar:

NM_174916.3(UBR1):c.4438A>G (p.Ile1480Val)

Gene: UBR1 (ubiquitin protein ligase E3 component n-recognin 1; minus strand). Cytogenetic location: 15q15.2.
Variant type: single nucleotide variant.
Coding change: c.4438A>G on transcript NM_174916.3 (MANE Select); coding-DNA position 4438, A replaced by G.
Protein change: p.Ile1480Val; replaces isoleucine 1480 with valine.
Molecular consequence: missense variant.
Genome position (GRCh38, 1-based): chr15:42,970,539, T>C on the plus strand (A>G on the coding strand, the complement: UBR1 is on the minus strand). VCF-style: chr15-42970539-T-C. GRCh37 (hg19) VCF-style: chr15-43262737-T-C.
Other names: short protein forms I1480V.
Identifiers: ClinVar variation 3365866 (VCV003365866.1).

ClinVar aggregate classification (germline): Uncertain significance (1 of 4 stars; one submission).

gnomAD v4.1: 2 of 1,613,518 alleles (0.00012%); highest among the groups gnomAD compares: African/African-American, 0.0027%; no homozygotes.

Submission:

GeneDx
Classification: Uncertain significance. Last evaluated: 2023-12-23. Review status: criteria provided, single submitter. Criteria: GeneDx Variant Classification Process June 2021. Collection method: clinical testing. Allele origin: germline. Affected: yes.
Comment: Not observed at significant frequency in large population cohorts (gnomAD); In silico analysis supports that this missense variant does not alter protein structure/function; Has not been previously published as pathogenic or benign to our knowledge